The following is an entry in ClinVar:

NM_014727.3(KMT2B):c.1295C>T (p.Pro432Leu)

Gene: KMT2B (lysine methyltransferase 2B; plus strand). Cytogenetic location: 19q13.12.
Variant type: single nucleotide variant.
Coding change: c.1295C>T on transcript NM_014727.3 (MANE Select); coding-DNA position 1295, C replaced by T.
Protein change: p.Pro432Leu; replaces proline 432 with leucine.
Molecular consequence: missense variant.
Genome position (GRCh38, 1-based): chr19:35,720,642, C>T. VCF-style: chr19-35720642-C-T. GRCh37 (hg19) VCF-style: chr19-36211544-C-T.
Other names: short protein forms P432L.
Identifiers: ClinVar variation 3368176 (VCV003368176.1).
Genomic context (GRCh38, chr19:35,720,642, plus strand): 5'-CACCTCCTCCACCCCTCCCACCCCCTTCGACATCTCCTCCACCCCCACTCTGCCCTCCAC[C>T]ACCACCCCCAGTGTCCCCACCACCTCTACCATCCCCTCCACCGCCTCCTGCCCAAGAGGA-3'
Protein context (NP_055542.1, residues 422-442): TSPPPPLCPP[Pro432Leu]PPPVSPPPLP

ClinVar aggregate classification (germline): Uncertain significance (1 of 4 stars; one submission).

gnomAD v4.1: 3 of 1,474,288 alleles (0.0002%); highest among the groups gnomAD compares: Non-Finnish European, 0.00027%; no homozygotes.

Submission:

GeneDx
Classification: Uncertain significance. Last evaluated: 2024-01-21. Review status: criteria provided, single submitter. Criteria: GeneDx Variant Classification Process June 2021. Collection method: clinical testing. Allele origin: germline. Affected: yes.
Comment: Not observed at significant frequency in large population cohorts (gnomAD); In silico analysis supports that this missense variant does not alter protein structure/function; Has not been previously published as pathogenic or benign to our knowledge